The following is an entry in ClinVar:

ClinVar aggregate classification (germline): Likely benign. Review status: criteria provided, multiple submitters, no conflicts (2 of 4 stars). 2 submissions from 2 submitters: Likely benign (2). Last evaluated 2024-05-14.

Conditions:
Familial cancer of breast. Also called: BREAST CANCER, FAMILIAL; Hereditary breast cancer; hereditary breast carcinoma. Identifiers: Orphanet 227535, MedGen C0346153, MONDO:0016419, OMIM 114480. Disease mechanism: loss of function.

Submissions (2):

Myriad Genetics, Inc.
Classification: Likely benign for Familial cancer of breast. Last evaluated: 2024-05-14. Review status: criteria provided, single submitter. Criteria: Myriad Autosomal Dominant, Autosomal Recessive and X-Linked Classification Criteria (2023). Collection method: clinical testing. Allele origin: unknown.
Comment: This variant is considered likely benign. This variant is intronic and is not expected to impact mRNA splicing.

GeneDx
Classification: Likely benign. Last evaluated: 2016-12-15. Review status: criteria provided, single submitter. Criteria: GeneDx Variant Classification (06012015). Collection method: clinical testing. Allele origin: germline. Affected: yes.
Comment: This variant is considered likely benign or benign based on one or more of the following criteria: it is a conservative change, it occurs at a poorly conserved position in the protein, it is predicted to be benign by multiple in silico algorithms, and/or has population frequency not consistent with disease.

NM_000051.4(ATM):c.3285-16G>T

Gene: ATM (ATM serine/threonine kinase; plus strand). Cytogenetic location: 11q22.3.
Variant type: single nucleotide variant.
Coding change: c.3285-16G>T on transcript NM_000051.4 (MANE Select); 16 bases into the intron before coding-DNA position 3285, G replaced by T.
Molecular consequence: intron variant.
Genome position (GRCh38, 1-based): chr11:108,279,475, G>T. VCF-style: chr11-108279475-G-T. GRCh37 (hg19) VCF-style: chr11-108150202-G-T.
Other names: c.3285-16G>T (NM_001351834.2).
Identifiers: ClinVar variation 392035 (VCV000392035.2), dbSNP rs1057524332, ClinGen allele CA16606806.
Genomic context (GRCh38, chr11:108,279,475, plus strand): 5'-TATGCTTTGGAAAGTAGGGTTTGAAATTAGAAAATTATTTCACTTTTTGTTTGTTTGTTT[G>T]CTTGCTTGTTTTAAGATTGTTCCAGGACACGAAGGGAGATTCTTCCAGGTTACTGAAAGC-3'